The following is an entry in ClinVar:

ClinVar aggregate classification (germline): Uncertain significance. Review status: criteria provided, multiple submitters, no conflicts (2 of 4 stars). 2 submissions from 2 submitters: Uncertain significance (2). Last evaluated 2026-08-25.

Conditions:
BBS5-related disorder. Also called: BBS5-related condition.
Bardet-Biedl syndrome (BBS). Identifiers: Orphanet 110, MedGen C0752166, MONDO:0015229.

Submissions (2):

PreventionGenetics, part of Exact Sciences
Classification: Uncertain significance for BBS5-related condition. Last evaluated: 2026-08-25. Review status: criteria provided, single submitter. Criteria: ACMG Guidelines, 2015. Collection method: clinical testing. Allele origin: germline.
Comment: The BBS5 c.649G>A variant is predicted to result in the amino acid substitution p.Gly217Ser. To our knowledge, this variant has not been reported in the literature or in a large population database (gnomAD), indicating this variant is rare. At this time, the clinical significance of this variant is uncertain due to the absence of conclusive functional and genetic evidence.

Labcorp Genetics (formerly Invitae), Labcorp
Classification: Uncertain significance for Bardet-Biedl syndrome. Last evaluated: 2020-11-24. Review status: criteria provided, single submitter. Criteria: Invitae Variant Classification Sherloc (09022015). Collection method: clinical testing. Allele origin: germline.
Comment: In summary, the available evidence is currently insufficient to determine the role of this variant in disease. Therefore, it has been classified as a Variant of Uncertain Significance. Algorithms developed to predict the effect of missense changes on protein structure and function (SIFT, PolyPhen-2, Align-GVGD) all suggest that this variant is likely to be disruptive, but these predictions have not been confirmed by published functional studies and their clinical significance is uncertain. This variant has not been reported in the literature in individuals with BBS5-related conditions. This variant is not present in population databases (ExAC no frequency). This sequence change replaces glycine with serine at codon 217 of the BBS5 protein (p.Gly217Ser). The glycine residue is highly conserved and there is a small physicochemical difference between glycine and serine.

NM_152384.3(BBS5):c.649G>A (p.Gly217Ser)

Gene: BBS5 (Bardet-Biedl syndrome 5; plus strand). Cytogenetic location: 2q31.1.
Variant type: single nucleotide variant.
Coding change: c.649G>A on transcript NM_152384.3 (MANE Select); coding-DNA position 649, G replaced by A.
Protein change: p.Gly217Ser; replaces glycine 217 with serine.
Molecular consequence: missense variant.
Genome position (GRCh38, 1-based): chr2:169,497,657, G>A. VCF-style: chr2-169497657-G-A. GRCh37 (hg19) VCF-style: chr2-170354167-G-A.
Other names: c.649G>A (NM_152384.2); short protein forms G217S.
Identifiers: ClinVar variation 1425546 (VCV001425546.9), dbSNP rs1427534237, ClinGen allele CA349166441.